The following is an entry in ClinVar:

ClinVar aggregate classification (germline): Uncertain significance. Review status: criteria provided, multiple submitters, no conflicts (2 of 4 stars). 3 submissions from 3 submitters: Uncertain significance (3). Last evaluated 2026-04-01.

Conditions:
Bethlem myopathy 1A. Also called: Bethlem myopathy 1; Bethlem Muscular Dystrophy; MYOPATHY, BENIGN CONGENITAL, WITH CONTRACTURES. Identifiers: Orphanet 610, MedGen CN029274, MONDO:0024530, OMIM 158810.
Myosclerosis. Also called: Myosclerosis, congenital; MYOPATHY, MYOSCLEROTIC; MYOSCLEROSIS, CONGENITAL, OF LOWENTHAL. Identifiers: Orphanet 289380, MedGen C1850671, MONDO:0009714, OMIM 255600.
Bethlem myopathy 1B (BTHLM1B). Identifiers: MedGen C5935580, MONDO:0958233, OMIM 620725.
Ullrich congenital muscular dystrophy 1B (UCMD1B). Identifiers: MedGen C5935582, MONDO:0958235, OMIM 620727.

Allele frequency attached by ClinVar (database versions not stated): TOPMed below 0.00001; ExAC 0.00001; gnomAD exomes 0.00001.
gnomAD v4.1: 5 of 1,612,084 alleles (0.00031%); highest among the groups gnomAD compares: South Asian, 0.0011%; no homozygotes.

Submissions (3):

CeGaT Center for Human Genetics Tuebingen
Classification: Uncertain significance. Last evaluated: 2026-04-01. Review status: criteria provided, single submitter. Criteria: CeGaT Center For Human Genetics Tuebingen Variant Classification Criteria Version 2. Collection method: clinical testing. Allele origin: germline. Affected: yes. Observed: 1 variant allele.
Comment: COL6A2: PM2

Fulgent Genetics
Classification: Uncertain significance for Myosclerosis; Bethlem myopathy 1B; Ullrich congenital muscular dystrophy 1B. Last evaluated: 2024-04-11. Review status: criteria provided, single submitter. Criteria: ACMG Guidelines, 2015. Collection method: clinical testing. Allele origin: germline.

Labcorp Genetics (formerly Invitae), Labcorp
Classification: Uncertain significance for Bethlem myopathy 1A. Last evaluated: 2020-07-24. Review status: criteria provided, single submitter. Criteria: Invitae Variant Classification Sherloc (09022015). Collection method: clinical testing. Allele origin: germline.
Comment: In summary, the available evidence is currently insufficient to determine the role of this variant in disease. Therefore, it has been classified as a Variant of Uncertain Significance. Advanced modeling of protein sequence and biophysical properties (such as structural, functional, and spatial information, amino acid conservation, physicochemical variation, residue mobility, and thermodynamic stability) performed at Invitae indicates that this missense variant is not expected to disrupt COL6A2 protein function. This variant has not been reported in the literature in individuals with COL6A2-related conditions. This variant is present in population databases (rs752359061, ExAC 0.002%). This sequence change replaces valine with isoleucine at codon 237 of the COL6A2 protein (p.Val237Ile). The valine residue is moderately conserved and there is a small physicochemical difference between valine and isoleucine.

NM_001849.4(COL6A2):c.709G>A (p.Val237Ile)

Gene: COL6A2 (collagen type VI alpha 2 chain; plus strand). Cytogenetic location: 21q22.3.
Variant type: single nucleotide variant.
Coding change: c.709G>A on transcript NM_001849.4 (MANE Select); coding-DNA position 709, G replaced by A.
Protein change: p.Val237Ile; replaces valine 237 with isoleucine.
Molecular consequence: missense variant.
Genome position (GRCh38, 1-based): chr21:46,112,572, G>A. VCF-style: chr21-46112572-G-A. GRCh37 (hg19) VCF-style: chr21-47532486-G-A.
Other names: c.709G>A, p.Val237Ile (NM_058174.3, NM_058175.3); short protein forms V237I.
Identifiers: ClinVar variation 1020091 (VCV001020091.12), dbSNP rs752359061, ClinGen allele CA10071380.